The following is an entry in ClinVar:

ClinVar aggregate classification (germline): Likely benign (1 of 4 stars; one submission).

Submission:

Women's Health and Genetics/Laboratory Corporation of America, LabCorp
Classification: Likely benign. Last evaluated: 2026-02-11. Review status: criteria provided, single submitter. Criteria: LabCorp Variant Classification Summary - May 2015. Collection method: clinical testing. Allele origin: germline.
Comment: Variant summary: MAP3K14 c.761C>T (p.Thr254Met) results in a non-conservative amino acid change in the encoded protein sequence. Algorithms developed to predict the effect of missense changes on protein structure and function are either unavailable or do not agree on the potential impact of this missense change. The variant allele was found at a frequency of 0.00028 in 246448 control chromosomes, predominantly at a frequency of 0.0037 within the East Asian subpopulation in the gnomAD database. The observed variant frequency within East Asian control individuals in the gnomAD database exceeds the estimated maximal expected allele frequency for disease-causing variants in MAP3K14. To our knowledge, no occurrence of c.761C>T in individuals affected with MAP3K14-related conditions and no experimental evidence demonstrating its impact on protein function have been reported. ClinVar contains an entry for this variant (Variation ID: 478061). Based on the evidence outlined above, the variant was classified as likely benign.

Literature cited by the submitters: PubMed 19499547.

NM_003954.5(MAP3K14):c.761C>T (p.Pro254Leu)

Gene: MAP3K14 (mitogen-activated protein kinase kinase kinase 14; minus strand). Cytogenetic location: 17q21.31.
Variant type: single nucleotide variant.
Coding change: c.761C>T on transcript NM_003954.5 (MANE Select); coding-DNA position 761, C replaced by T.
Protein change: p.Pro254Leu; replaces proline 254 with leucine.
Molecular consequence: missense variant.
Genome position (GRCh38, 1-based): chr17:45,286,822, G>A on the plus strand (C>T on the coding strand, the complement: MAP3K14 is on the minus strand). VCF-style: chr17-45286822-G-A. GRCh37 (hg19) VCF-style: chr17-43364189-G-A.
Other names: short protein forms P254L.
Identifiers: ClinVar variation 4847905 (VCV004847905.1).